The following is an entry in ClinVar:

NM_032217.5(ANKRD17):c.190A>C (p.Lys64Gln)

Gene: ANKRD17 (ankyrin repeat domain 17; minus strand). Cytogenetic location: 4q13.3.
Variant type: single nucleotide variant.
Coding change: c.190A>C on transcript NM_032217.5 (MANE Select); coding-DNA position 190, A replaced by C.
Protein change: p.Lys64Gln; replaces lysine 64 with glutamine.
Molecular consequence: missense variant.
Genome position (GRCh38, 1-based): chr4:73,258,479, T>G on the plus strand (A>C on the coding strand, the complement: ANKRD17 is on the minus strand). VCF-style: chr4-73258479-T-G. GRCh37 (hg19) VCF-style: chr4-74124196-T-G.
Other names: c.190A>C, p.Lys64Gln (NM_015574.2, NM_198889.3); short protein forms K64Q.
Identifiers: ClinVar variation 3901046 (VCV003901046.1).
Genomic context (GRCh38, chr4:73,258,479, plus strand): 5'-TGGGGGGTCGGCAAGTCCGGTTACGCTTGGCCTTGTGGTGCTGCTGCTGCGGCGGCTTCT[T>G]CTTCAGGAGCAGGTCGCAGACTCGCACCATCCCACGAGGAGACGAGGCCGAGCGAGCTCT-3'
Protein context (NP_115593.3, residues 54-74): MVRVCDLLLK[Lys64Gln]KPPQQQHHKA

ClinVar aggregate classification (germline): Uncertain significance (1 of 4 stars; one submission).

Conditions:
Chopra-Amiel-Gordon syndrome (CAGS). Also called: ANKRD17-Related Neurodevelopmental Syndrome. Identifiers: MedGen C5561975, MONDO:0859186, OMIM 619504.

Submission:

Laboratorio de Genetica e Diagnostico Molecular, Hospital Israelita Albert Einstein
Classification: Uncertain significance for Chopra-Amiel-Gordon syndrome. Last evaluated: 2022-12-22. Review status: criteria provided, single submitter. Criteria: ACMG Guidelines, 2015. Collection method: clinical testing. Allele origin: germline. Affected: yes.
Comment: ACMG classification criteria: PM2 moderate, PP2 supporting, BP4 supporting